The following is an entry in ClinVar:

ClinVar aggregate classification (germline): Uncertain significance (1 of 4 stars; one submission).

gnomAD v4.1: 2 of 1,614,016 alleles (0.00012%); highest among the groups gnomAD compares: African/African-American, 0.0013%; no homozygotes.

Submission:

Women's Health and Genetics/Laboratory Corporation of America, LabCorp
Classification: Uncertain significance. Last evaluated: 2026-02-02. Review status: criteria provided, single submitter. Criteria: LabCorp Variant Classification Summary - May 2015. Collection method: clinical testing. Allele origin: germline.
Comment: Variant summary: MYPN c.1721C>T (p.Pro574Leu) results in a non-conservative amino acid change in the encoded protein sequence. Algorithms developed to predict the effect of missense changes on protein structure and function are either unavailable or do not agree on the potential impact of this missense change. The variant was absent in 251274 control chromosomes. The available data on variant occurrences in the general population are insufficient to allow any conclusion about variant significance. To our knowledge, no occurrence of c.1721C>T in individuals affected with MYPN-related conditions and no experimental evidence demonstrating its impact on protein function have been reported. No submitters have cited clinical-significance assessments for this variant to ClinVar. Based on the evidence outlined above, the variant was classified as uncertain significance.

NM_032578.4(MYPN):c.1721C>T (p.Pro574Leu)

Gene: MYPN (myopalladin; plus strand). Cytogenetic location: 10q21.3.
Variant type: single nucleotide variant.
Coding change: c.1721C>T on transcript NM_032578.4 (MANE Select); coding-DNA position 1721, C replaced by T.
Protein change: p.Pro574Leu; replaces proline 574 with leucine.
Molecular consequence: missense variant. On other transcripts: non-coding transcript variant (2).
Genome position (GRCh38, 1-based): chr10:68,166,414, C>T. VCF-style: chr10-68166414-C-T. GRCh37 (hg19) VCF-style: chr10-69926171-C-T.
Other names: c.1721C>T, p.Pro574Leu (NM_001256267.2); c.839C>T, p.Pro280Leu (NM_001256268.2); short protein forms P280L, P574L.
Identifiers: ClinVar variation 4848138 (VCV004848138.1).